The following is an entry in ClinVar:

ClinVar aggregate classification (germline): Likely benign (1 of 4 stars; one submission).

Allele frequency attached by ClinVar (database versions not stated): gnomAD 0.00013; TOPMed 0.00013; ExAC 0.00031.
gnomAD v4.1: 122 of 1,559,180 alleles (0.0078%); highest among the groups gnomAD compares: Middle Eastern, 0.15%; no homozygotes.

Submission:

CeGaT Center for Human Genetics Tuebingen
Classification: Likely benign. Last evaluated: 2022-09-01. Review status: criteria provided, single submitter. Criteria: CeGaT Center For Human Genetics Tuebingen Variant Classification Criteria Version 2. Collection method: clinical testing. Allele origin: germline. Affected: yes. Observed: 1 variant allele.
Comment: KIF26A: BP4, BP7

NM_015656.2(KIF26A):c.2238C>T (p.Gly746=)

Gene: KIF26A (kinesin family member 26A; plus strand). Cytogenetic location: 14q32.33.
Variant type: single nucleotide variant.
Coding change: c.2238C>T on transcript NM_015656.2 (MANE Select); coding-DNA position 2238, C replaced by T.
Protein change: p.Gly746=; no amino-acid change (glycine 746 retained).
Molecular consequence: synonymous variant.
Genome position (GRCh38, 1-based): chr14:104,175,026, C>T. VCF-style: chr14-104175026-C-T. GRCh37 (hg19) VCF-style: chr14-104641363-C-T.
Identifiers: ClinVar variation 2644605 (VCV002644605.24), dbSNP rs775003818, ClinGen allele CA7370691.